The following is an entry in ClinVar:

NM_004715.5(CTDP1):c.1543G>A (p.Gly515Arg)

Gene: CTDP1 (CTD phosphatase subunit 1; plus strand). Cytogenetic location: 18q23.
Variant type: single nucleotide variant.
Coding change: c.1543G>A on transcript NM_004715.5 (MANE Select); coding-DNA position 1543, G replaced by A.
Protein change: p.Gly515Arg; replaces glycine 515 with arginine.
Molecular consequence: missense variant.
Genome position (GRCh38, 1-based): chr18:79,715,003, G>A. VCF-style: chr18-79715003-G-A. GRCh37 (hg19) VCF-style: chr18-77475003-G-A.
Other names: p.Gly515Arg; c.1186G>A, p.Gly396Arg (NM_001202504.1); c.1543G>A, p.Gly515Arg (NM_001318511.2, NM_048368.4); short protein forms G396R, G515R.
Identifiers: ClinVar variation 2636062 (VCV002636062.4), dbSNP rs746730170, ClinGen allele CA9010329.
Genomic context (GRCh38, chr18:79,715,003, plus strand): 5'-GGGGCGCTGGCACAGGGCAGTTCCCTGGAGCCGGGGCGGCCTGCAGCACCGAGTCTCCCC[G>A]GAGAGGCCGAGCCTGGCGCGCATGCCCCGGACAAGGAGCCTGAGCTGGGTGGGCAGGAGG-3'
Protein context (NP_004706.3, residues 505-525): PGRPAAPSLP[Gly515Arg]EAEPGAHAPD

ClinVar aggregate classification (germline): Uncertain significance. Review status: criteria provided, multiple submitters, no conflicts (2 of 4 stars). 4 submissions from 4 submitters: Uncertain significance (4). Last evaluated 2024-03-15.

Conditions:
CTDP1-related disorder. Also called: CTDP1-related condition.

Allele frequency attached by ClinVar (database versions not stated): gnomAD 0.00004; ExAC 0.00009.
gnomAD v4.1: 48 of 1,588,046 alleles (0.003%); highest among the groups gnomAD compares: Middle Eastern, 0.017%; no homozygotes.

Submissions (4):

Mayo Clinic Laboratories, Mayo Clinic
Classification: Uncertain significance. Last evaluated: 2024-03-15. Review status: criteria provided, single submitter. Criteria: ACMG Guidelines, 2015. Collection method: clinical testing. Allele origin: germline. Observed: 1 variant allele.
Comment: BP4, PM2_moderate

Ambry Genetics
Classification: Uncertain significance. Last evaluated: 2024-01-16. Review status: criteria provided, single submitter. Criteria: Ambry Variant Classification Scheme 2023. Collection method: clinical testing. Allele origin: germline.

GeneDx
Classification: Uncertain significance. Last evaluated: 2023-11-21. Review status: criteria provided, single submitter. Criteria: GeneDx Variant Classification Process June 2021. Collection method: clinical testing. Allele origin: germline. Affected: yes.
Comment: In silico analysis supports that this missense variant does not alter protein structure/function; Has not been previously published as pathogenic or benign to our knowledge

PreventionGenetics, part of Exact Sciences
Classification: Uncertain significance for CTDP1-related condition. Last evaluated: 2023-10-05. Review status: criteria provided, single submitter. Criteria: ACMG Guidelines, 2015. Collection method: clinical testing. Allele origin: germline.
Comment: The CTDP1 c.1543G>A variant is predicted to result in the amino acid substitution p.Gly515Arg. To our knowledge, this variant has not been reported in the literature. This variant is reported in 0.018% of alleles in individuals of African descent in gnomAD. At this time, the clinical significance of this variant is uncertain due to the absence of conclusive functional and genetic evidence.